The following is an entry in ClinVar:

NM_001349253.2(SCN11A):c.1256del (p.Lys419fs)

Gene: SCN11A (sodium voltage-gated channel alpha subunit 11; minus strand). Cytogenetic location: 3p22.2.
Variant type: Deletion.
Coding change: c.1256del on transcript NM_001349253.2 (MANE Select); coding-DNA position 1256, one base deleted (A; older notation c.1256delA).
Protein change: p.Lys419fs; shifts the reading frame from lysine 419.
Molecular consequence: frameshift variant.
Genome position (GRCh38, 1-based): chr3:38,909,040, T deleted on the plus strand (A on the coding strand, the reverse complement: SCN11A is on the minus strand); the first of 4 consecutive T bases (chr3:38,909,040-38,909,043); deleting any one gives the same sequence. VCF-style (leftmost placement, unchanged base first): chr3-38909039-CT-C. GRCh37 (hg19) VCF-style: chr3-38950530-CT-C.
Other names: c.1256del, p.Lys419fs (NM_014139.3); short protein forms K419fs.
Identifiers: ClinVar variation 1372153 (VCV001372153.6), dbSNP rs2125536994, ClinGen allele CA2573137000.

ClinVar aggregate classification (germline): Uncertain significance (1 of 4 stars; one submission).

Conditions:
Hereditary sensory and autonomic neuropathy type 7. Also called: Neuropathy, hereditary sensory and autonomic, type VII; HSAN VII. Identifiers: Orphanet 391397, MedGen C3809882, MONDO:0014244, OMIM 615548.
Familial episodic pain syndrome with predominantly lower limb involvement. Also called: Episodic pain syndrome, familial, 3. Identifiers: Orphanet 391384, Orphanet 391392, MedGen C3809899, MONDO:0014247, OMIM 615552.

Submission:

Labcorp Genetics (formerly Invitae), Labcorp
Classification: Uncertain significance for Familial episodic pain syndrome with predominantly lower limb involvement; Hereditary sensory and autonomic neuropathy type 7. Last evaluated: 2025-11-05. Review status: criteria provided, single submitter. Criteria: Invitae Variant Classification Sherloc (09022015). Collection method: clinical testing. Allele origin: germline.
Comment: This sequence change creates a premature translational stop signal (p.Lys419Argfs*10) in the SCN11A gene. It is expected to result in an absent or disrupted protein product. However, the current clinical and genetic evidence is not sufficient to establish whether loss-of-function variants in SCN11A cause disease. This variant is not present in population databases (gnomAD no frequency). This variant has not been reported in the literature in individuals affected with SCN11A-related conditions. ClinVar contains an entry for this variant (Variation ID: 1372153). In summary, the available evidence is currently insufficient to determine the role of this variant in disease. Therefore, it has been classified as a Variant of Uncertain Significance.